The following is an entry in ClinVar:

NM_001387430.1(SH2B1):c.1919C>T (p.Pro640Leu)

Gene: SH2B1 (SH2B adaptor protein 1; plus strand). Cytogenetic location: 16p11.2.
Variant type: single nucleotide variant.
Coding change: c.1919C>T on transcript NM_001387430.1 (MANE Select); coding-DNA position 1919, C replaced by T.
Protein change: p.Pro640Leu; replaces proline 640 with leucine.
Molecular consequence: missense variant. On other transcripts: 3 prime UTR variant (5).
Genome position (GRCh38, 1-based): chr16:28,873,468, C>T. VCF-style: chr16-28873468-C-T. GRCh37 (hg19) VCF-style: chr16-28884789-C-T.
Other names: c.1919C>T, p.Pro640Leu (NM_001145795.2, NM_001308293.2, NM_001387404.1); c.*3C>T (NM_001145796.2, NM_001145812.2, NM_001308294.2 and 1 more transcripts); c.*20C>T (NM_001145797.2); short protein forms P640L.
Identifiers: ClinVar variation 3358763 (VCV003358763.1).
Genomic context (GRCh38, chr16:28,873,468, plus strand): 5'-CCTCCACAATCAGTCTGTTTTCTTACCATTCCTATCCAGAACCGACCACCTCCCATGACC[C>T]ACCCCAGCCCCCTGAACCCCCTTCATGGACAGATCCCCCACAGCCTGGGGCAGAAGAGGC-3'
Protein context (NP_001374359.1, residues 630-650): RQQEPTTSHD[Pro640Leu]PQPPEPPSWT

ClinVar aggregate classification (germline): Uncertain significance (0 of 4 stars; one submission).

Conditions:
SH2B1-related disorder. Also called: SH2B1-related condition.

Submission:

PreventionGenetics, part of Exact Sciences
Classification: Uncertain significance for SH2B1-related condition. Last evaluated: 2024-05-01. Review status: no assertion criteria provided. Collection method: clinical testing. Allele origin: germline.
Comment: The SH2B1 c.1919C>T variant is predicted to result in the amino acid substitution p.Pro640Leu. This variant has been reported in an obese individual (Mohammed et al. 2023. PubMed ID: 37329217). It is not in a large population database, indicating this variant is rare. At this time, the clinical significance of this variant is uncertain due to the absence of conclusive functional and genetic evidence.